The following is an entry in ClinVar:

ClinVar aggregate classification (germline): Uncertain significance (1 of 4 stars; one submission).

Conditions:
Baraitser-Winter syndrome 1 (BRWS1). Also called: BARAITSER-WINTER SYNDROME 1, ATYPICAL; PACHYGYRIA, MENTAL RETARDATION, EPILEPSY, AND CHARACTERISTIC FACIES; MENTAL RETARDATION WITH EPILEPSY AND CHARACTERISTIC FACIES; Cerebrofrontofacial syndrome. Identifiers: Orphanet 2649, Orphanet 2995, MedGen C1855722, MONDO:0009470, OMIM 243310.

Submission:

Labcorp Genetics (formerly Invitae), Labcorp
Classification: Uncertain significance for Baraitser-Winter syndrome 1. Last evaluated: 2022-09-02. Review status: criteria provided, single submitter. Criteria: Invitae Variant Classification Sherloc (09022015). Collection method: clinical testing. Allele origin: germline.
Comment: In summary, the available evidence is currently insufficient to determine the role of this variant in disease. Therefore, it has been classified as a Variant of Uncertain Significance. Algorithms developed to predict the effect of missense changes on protein structure and function are either unavailable or do not agree on the potential impact of this missense change (SIFT: "Deleterious"; PolyPhen-2: "Possibly Damaging"; Align-GVGD: "Class C0"). This variant has not been reported in the literature in individuals affected with ACTB-related conditions. This variant is not present in population databases (gnomAD no frequency). This sequence change replaces methionine, which is neutral and non-polar, with isoleucine, which is neutral and non-polar, at codon 123 of the ACTB protein (p.Met123Ile).

NM_001101.5(ACTB):c.369G>A (p.Met123Ile)

Gene: ACTB (actin beta; minus strand). Cytogenetic location: 7p22.1.
Variant type: single nucleotide variant.
Coding change: c.369G>A on transcript NM_001101.5 (MANE Select); coding-DNA position 369, G replaced by A.
Protein change: p.Met123Ile; replaces methionine 123 with isoleucine.
Molecular consequence: missense variant.
Genome position (GRCh38, 1-based): chr7:5,528,714, C>T on the plus strand (G>A on the coding strand, the complement: ACTB is on the minus strand). VCF-style: chr7-5528714-C-T. GRCh37 (hg19) VCF-style: chr7-5568345-C-T.
Other names: short protein forms M123I.
Identifiers: ClinVar variation 2016917 (VCV002016917.4), dbSNP rs2128241310, ClinGen allele CA366703971.